The following is an entry in ClinVar:

NM_001008537.3(NEXMIF):c.3350G>A (p.Ser1117Asn)

Gene: NEXMIF (neurite extension and migration factor; minus strand). Cytogenetic location: Xq13.3.
Variant type: single nucleotide variant.
Coding change: c.3350G>A on transcript NM_001008537.3 (MANE Select); coding-DNA position 3350, G replaced by A.
Protein change: p.Ser1117Asn; replaces serine 1117 with asparagine.
Molecular consequence: missense variant.
Genome position (GRCh38, 1-based): chrX:74,741,207, C>T on the plus strand (G>A on the coding strand, the complement: NEXMIF is on the minus strand). VCF-style: chrX-74741207-C-T. GRCh37 (hg19) VCF-style: chrX-73961042-C-T.
Other names: short protein forms S1117N.
Identifiers: ClinVar variation 958507 (VCV000958507.12), dbSNP rs2080101983, ClinGen allele CA413666151.

ClinVar aggregate classification (germline): Uncertain significance. Review status: criteria provided, multiple submitters, no conflicts (2 of 4 stars). 2 submissions from 2 submitters: Uncertain significance (2). Last evaluated 2025-06-12.

Submissions (2):

GeneDx
Classification: Uncertain significance. Last evaluated: 2025-06-12. Review status: criteria provided, single submitter. Criteria: GeneDx Variant Classification Process June 2021. Collection method: clinical testing. Allele origin: germline. Affected: yes.
Comment: Has not been previously published as pathogenic or benign to our knowledge; Not observed at significant frequency in large population cohorts (gnomAD); In silico analysis supports that this missense variant does not alter protein structure/function

Labcorp Genetics (formerly Invitae), Labcorp
Classification: Uncertain significance. Last evaluated: 2019-11-11. Review status: criteria provided, single submitter. Criteria: Invitae Variant Classification Sherloc (09022015). Collection method: clinical testing. Allele origin: germline.
Comment: This sequence change replaces serine with asparagine at codon 1117 of the NEXMIF protein (p.Ser1117Asn). The serine residue is moderately conserved and there is a small physicochemical difference between serine and asparagine. This variant is not present in population databases (ExAC no frequency). This variant has not been reported in the literature in individuals with NEXMIF-related conditions. Algorithms developed to predict the effect of missense changes on protein structure and function output the following: SIFT: "Tolerated"; PolyPhen-2: "Benign"; Align-GVGD: "Class C0". The asparagine amino acid residue is found in multiple mammalian species, suggesting that this missense change does not adversely affect protein function. These predictions have not been confirmed by published functional studies and their clinical significance is uncertain. In summary, the available evidence is currently insufficient to determine the role of this variant in disease. Therefore, it has been classified as a Variant of Uncertain Significance.